The following is an entry in ClinVar:

ClinVar aggregate classification (germline): Uncertain significance (1 of 4 stars; one submission).

Submission:

Ambry Genetics
Classification: Uncertain significance. Last evaluated: 2024-05-30. Review status: criteria provided, single submitter. Criteria: Ambry Variant Classification Scheme 2023. Collection method: clinical testing. Allele origin: germline.
Comment: The p.I85V variant (also known as c.253A>G), located in coding exon 3 of the NQO1 gene, results from an A to G substitution at nucleotide position 253. The isoleucine at codon 85 is replaced by valine, an amino acid with highly similar properties. This amino acid position is conserved. In addition, this alteration is predicted to be tolerated by in silico analysis. Based on the available evidence, the clinical significance of this variant remains unclear.

NM_000903.3(NQO1):c.253A>G (p.Ile85Val)

Gene: NQO1 (NAD(P)H quinone dehydrogenase 1; minus strand). Cytogenetic location: 16q22.1.
Variant type: single nucleotide variant.
Coding change: c.253A>G on transcript NM_000903.3 (MANE Select); coding-DNA position 253, A replaced by G.
Protein change: p.Ile85Val; replaces isoleucine 85 with valine.
Molecular consequence: missense variant.
Genome position (GRCh38, 1-based): chr16:69,718,173, T>C on the plus strand (A>G on the coding strand, the complement: NQO1 is on the minus strand). VCF-style: chr16-69718173-T-C. GRCh37 (hg19) VCF-style: chr16-69752076-T-C.
Other names: c.253A>G, p.Ile85Val (NM_001025433.2, NM_001025434.2, NM_001286137.2); short protein forms I85V.
Identifiers: ClinVar variation 3300904 (VCV003300904.1).